The following is an entry in ClinVar:

ClinVar aggregate classification (germline): Uncertain significance (1 of 4 stars; one submission).

Conditions:
Muscular dystrophy-dystroglycanopathy (congenital with brain and eye anomalies), type a, 8 (MDDGA8). Also called: WALKER-WARBURG SYNDROME OR MUSCLE-EYE-BRAIN DISEASE, GTDC2-RELATED. Identifiers: Orphanet 899, MedGen C3553813, MONDO:0013904, OMIM 614830.

Allele frequency attached by ClinVar (database versions not stated): gnomAD exomes 0.00001; ExAC 0.00002; TOPMed 0.00003; gnomAD 0.00005.
gnomAD v4.1: 25 of 1,613,912 alleles (0.0015%); highest among the groups gnomAD compares: African/African-American, 0.0067%; no homozygotes.

Submission:

Labcorp Genetics (formerly Invitae), Labcorp
Classification: Uncertain significance for Muscular dystrophy-dystroglycanopathy (congenital with brain and eye anomalies), type a, 8. Last evaluated: 2021-09-01. Review status: criteria provided, single submitter. Criteria: Invitae Variant Classification Sherloc (09022015). Collection method: clinical testing. Allele origin: germline.
Comment: This sequence change replaces arginine with cysteine at codon 72 of the POMGNT2 protein (p.Arg72Cys). The arginine residue is highly conserved and there is a large physicochemical difference between arginine and cysteine. This variant is present in population databases (rs759054257, ExAC 0.02%). This variant has not been reported in the literature in individuals affected with POMGNT2-related conditions. Algorithms developed to predict the effect of missense changes on protein structure and function (SIFT, PolyPhen-2, Align-GVGD) all suggest that this variant is likely to be disruptive. In summary, the available evidence is currently insufficient to determine the role of this variant in disease. Therefore, it has been classified as a Variant of Uncertain Significance.

NM_032806.6(POMGNT2):c.214C>T (p.Arg72Cys)

Gene: POMGNT2 (protein O-linked mannose N-acetylglucosaminyltransferase 2 (beta 1,4-); minus strand). Cytogenetic location: 3p22.1.
Variant type: single nucleotide variant.
Coding change: c.214C>T on transcript NM_032806.6 (MANE Select); coding-DNA position 214, C replaced by T.
Protein change: p.Arg72Cys; replaces arginine 72 with cysteine.
Molecular consequence: missense variant.
Genome position (GRCh38, 1-based): chr3:43,081,218, G>A on the plus strand (C>T on the coding strand, the complement: POMGNT2 is on the minus strand). VCF-style: chr3-43081218-G-A. GRCh37 (hg19) VCF-style: chr3-43122710-G-A.
Other names: short protein forms R72C.
Identifiers: ClinVar variation 1521438 (VCV001521438.5), dbSNP rs759054257, ClinGen allele CA2340132.